The following is an entry in ClinVar:

NM_002437.5(MPV17):c.224G>A (p.Arg75Gln)

Gene: MPV17 (mitochondrial inner membrane protein MPV17; minus strand). Cytogenetic location: 2p23.3.
Variant type: single nucleotide variant.
Coding change: c.224G>A on transcript NM_002437.5 (MANE Select); coding-DNA position 224, G replaced by A.
Protein change: p.Arg75Gln; replaces arginine 75 with glutamine.
Molecular consequence: missense variant.
Genome position (GRCh38, 1-based): chr2:27,312,735, C>T on the plus strand (G>A on the coding strand, the complement: MPV17 is on the minus strand). VCF-style: chr2-27312735-C-T. GRCh37 (hg19) VCF-style: chr2-27535602-C-T.
Other names: short protein forms R75Q.
Identifiers: ClinVar variation 4686422 (VCV004686422.1).

ClinVar aggregate classification (germline): Uncertain significance (1 of 4 stars; one submission).

Submission:

GeneDx
Classification: Uncertain significance. Last evaluated: 2025-07-15. Review status: criteria provided, single submitter. Criteria: GeneDx Variant Classification Process June 2021. Collection method: clinical testing. Allele origin: germline. Affected: yes.
Comment: Not observed at significant frequency in large population cohorts (gnomAD); Missense variants in this gene are a common cause of disease and they are underrepresented in the general population; In silico analysis supports that this missense variant has a deleterious effect on protein structure/function; Has not been previously published as pathogenic or benign to our knowledge